The following is an entry in ClinVar:

ClinVar aggregate classification (germline): Benign. Review status: criteria provided, multiple submitters, no conflicts (2 of 4 stars). 3 submissions from 3 submitters: Benign (3). Last evaluated 2026-01-27.

Conditions:
Combined oxidative phosphorylation defect type 8. Also called: CARDIOMYOPATHY, HYPERTROPHIC MITOCHONDRIAL, FATAL INFANTILE. Identifiers: Orphanet 319504, MedGen C4518839, MONDO:0013570, OMIM 614096.

Allele frequency attached by ClinVar (database versions not stated): gnomAD exomes 0.00152 and 0.00408; ExAC 0.00501; gnomAD 0.01562 and 0.01670; ESP Exome Variant Server 0.01692; TOPMed 0.01711; 1000 Genomes Project 30x 0.02077; 1000 Genomes Project 0.02097.
gnomAD v4.1: 4,709 of 1,614,148 alleles (0.29%); highest among the groups gnomAD compares: African/African-American, 5.5%; 113 homozygotes.

Submissions (3):

Labcorp Genetics (formerly Invitae), Labcorp
Classification: Benign. Last evaluated: 2026-01-27. Review status: criteria provided, single submitter. Criteria: Invitae Variant Classification Sherloc (09022015). Collection method: clinical testing. Allele origin: germline.

Illumina Laboratory Services, Illumina
Classification: Benign for Combined oxidative phosphorylation defect type 8. Last evaluated: 2018-01-13. Review status: criteria provided, single submitter. Criteria: ICSL Variant Classification Criteria 13 December 2019. Collection method: clinical testing. Allele origin: germline.
Comment: This variant was observed in the ICSL laboratory as part of a predisposition screen in an ostensibly healthy population. It had not been previously curated by ICSL or reported in the Human Gene Mutation Database (HGMD: prior to June 1st, 2018), and was therefore a candidate for classification through an automated scoring system. Utilizing variant allele frequency, disease prevalence and penetrance estimates, and inheritance mode, an automated score was calculated to assess if this variant is too frequent to cause the disease. Based on the score and internal cut-off values, a variant classified as benign is not then subjected to further curation. The score for this variant resulted in a classification of benign for this disease.

GeneDx
Classification: Benign. Last evaluated: 2012-08-08. Review status: criteria provided, single submitter. Criteria: GeneDx Variant Classification (06012015). Collection method: clinical testing. Allele origin: germline. Affected: yes.
Comment: This variant is considered likely benign or benign based on one or more of the following criteria: it is a conservative change, it occurs at a poorly conserved position in the protein, it is predicted to be benign by multiple in silico algorithms, and/or has population frequency not consistent with disease.

NM_020745.4(AARS2):c.2440G>A (p.Val814Met)

Gene: AARS2 (alanyl-tRNA synthetase 2, mitochondrial; minus strand). Cytogenetic location: 6p21.1.
Variant type: single nucleotide variant.
Coding change: c.2440G>A on transcript NM_020745.4 (MANE Select); coding-DNA position 2440, G replaced by A.
Protein change: p.Val814Met; replaces valine 814 with methionine.
Molecular consequence: missense variant.
Genome position (GRCh38, 1-based): chr6:44,302,438, C>T on the plus strand (G>A on the coding strand, the complement: AARS2 is on the minus strand). VCF-style: chr6-44302438-C-T. GRCh37 (hg19) VCF-style: chr6-44270175-C-T.
Other names: p.V814M:GTG>ATG; short protein forms V814M.
Identifiers: ClinVar variation 136217 (VCV000136217.14), dbSNP rs111325758, ClinGen allele CA289184.